The following is an entry in ClinVar:

NM_016042.4(EXOSC3):c.151C>G (p.Arg51Gly)

Gene: EXOSC3 (exosome component 3; minus strand). Cytogenetic location: 9p13.2.
Variant type: single nucleotide variant.
Coding change: c.151C>G on transcript NM_016042.4 (MANE Select); coding-DNA position 151, C replaced by G.
Protein change: p.Arg51Gly; replaces arginine 51 with glycine.
Molecular consequence: missense variant.
Genome position (GRCh38, 1-based): chr9:37,784,894, G>C on the plus strand (C>G on the coding strand, the complement: EXOSC3 is on the minus strand). VCF-style: chr9-37784894-G-C. GRCh37 (hg19) VCF-style: chr9-37784891-G-C.
Other names: c.151C>G, p.Arg51Gly (NM_001002269.2); short protein forms R51G.
Identifiers: ClinVar variation 706943 (VCV000706943.13), dbSNP rs114878910, ClinGen allele CA5062847.

ClinVar aggregate classification (germline): Likely benign. Review status: criteria provided, multiple submitters, no conflicts (2 of 4 stars). 3 submissions from 3 submitters: Likely benign (3). Last evaluated 2026-01-19.

Conditions:
Pontocerebellar hypoplasia type 1B. Also called: EXOSC3 Pontocerebellar Hypoplasia. Identifiers: Orphanet 2254, MedGen C3553449, MONDO:0013853, OMIM 614678.

Allele frequency attached by ClinVar (database versions not stated): ExAC 0.00051; gnomAD 0.00117 and 0.00125; ESP Exome Variant Server 0.00131; TOPMed 0.00134; 1000 Genomes Project 0.00140; 1000 Genomes Project 30x 0.00141.

Submissions (3):

Labcorp Genetics (formerly Invitae), Labcorp
Classification: Likely benign for Pontocerebellar hypoplasia type 1B. Last evaluated: 2026-01-19. Review status: criteria provided, single submitter. Criteria: Invitae Variant Classification Sherloc (09022015). Collection method: clinical testing. Allele origin: germline.

GeneDx
Classification: Likely benign. Last evaluated: 2019-11-20. Review status: criteria provided, single submitter. Criteria: GeneDx Variant Classification Process June 2021. Collection method: clinical testing. Allele origin: germline. Affected: yes.

Illumina Laboratory Services, Illumina
Classification: Likely benign for Pontocerebellar hypoplasia type 1B. Last evaluated: 2018-01-13. Review status: criteria provided, single submitter. Criteria: ICSL Variant Classification Criteria 13 December 2019. Collection method: clinical testing. Allele origin: germline.
Comment: This variant was observed in the ICSL laboratory as part of a predisposition screen in an ostensibly healthy population. It had not been previously curated by ICSL or reported in the Human Gene Mutation Database (HGMD: prior to June 1st, 2018), and was therefore a candidate for classification through an automated scoring system. Utilizing variant allele frequency, disease prevalence and penetrance estimates, and inheritance mode, an automated score was calculated to assess if this variant is too frequent to cause the disease. Based on the score and internal cut-off values, a variant classified as likely benign is not then subjected to further curation. The score for this variant resulted in a classification of likely benign for this disease.